The following is an entry in ClinVar:

NM_002907.4(RECQL):c.1768G>A (p.Val590Met)

Genes: PYROXD1 (pyridine nucleotide-disulphide oxidoreductase domain 1; plus strand), RECQL (RecQ like helicase; minus strand). Cytogenetic location: 12p12.1.
Variant type: single nucleotide variant.
Coding change: c.1768G>A on transcript NM_002907.4 (MANE Select); coding-DNA position 1768, G replaced by A.
Protein change: p.Val590Met; replaces valine 590 with methionine.
Molecular consequence: missense variant. On other transcripts: 3 prime UTR variant (3).
Genome position (GRCh38, 1-based): chr12:21,470,998, C>T on the plus strand (G>A on the coding strand, the complement: RECQL is on the minus strand). VCF-style: chr12-21470998-C-T. GRCh37 (hg19) VCF-style: chr12-21623932-C-T.
Other names: c.1768G>A, p.Val590Met (NM_032941.3); c.*2244C>T (NM_001350912.2, NM_001350913.2, NM_024854.5); short protein forms V590M.
Identifiers: ClinVar variation 1779720 (VCV001779720.3), dbSNP rs765830143, ClinGen allele CA6478655.
Genomic context (GRCh38, chr12:21,470,998, plus strand): 5'-TATATAAAACTGAAAATTAATAGCCATTTACCCTGAAAGAGTTCTGCGTGGACTTTGTCA[C>T]TTGCATAGTAATAGCATGTGCCTCATTGTTCAGAAGATTAGCTTTAGGTCCTATTTTCAA-3'
Protein context (NP_002898.2, residues 580-600): NNEAHAITMQ[Val590Met]TKSTQNSFRA

ClinVar aggregate classification (germline): Uncertain significance (1 of 4 stars; one submission).

Allele frequency attached by ClinVar (database versions not stated): gnomAD exomes below 0.00001; TOPMed below 0.00001; ExAC 0.00001.
gnomAD v4.1: 3 of 1,566,618 alleles (0.00019%); highest among the groups gnomAD compares: South Asian, 0.0012%; no homozygotes.

Submission:

Ambry Genetics
Classification: Uncertain significance. Last evaluated: 2023-07-29. Review status: criteria provided, single submitter. Criteria: Ambry Variant Classification Scheme 2023. Collection method: clinical testing. Allele origin: germline.
Comment: The p.V590M variant (also known as c.1768G>A), located in coding exon 13 of the RECQL gene, results from a G to A substitution at nucleotide position 1768. The valine at codon 590 is replaced by methionine, an amino acid with highly similar properties. This amino acid position is well conserved in available vertebrate species. In addition, this alteration is predicted to be tolerated by in silico analysis. Since supporting evidence is limited at this time, the clinical significance of this alteration remains unclear.